The following is an entry in ClinVar:

NM_001298.3(CNGA3):c.919dup (p.Val307fs)

Gene: CNGA3 (cyclic nucleotide gated channel subunit alpha 3; plus strand). Cytogenetic location: 2q11.2.
Variant type: Duplication.
Coding change: c.919dup on transcript NM_001298.3 (MANE Select); coding-DNA position 919, one base duplicated (G; older notation c.919dupG).
Protein change: p.Val307fs; shifts the reading frame from valine 307.
Molecular consequence: frameshift variant.
Genome position (GRCh38, 1-based): chr2:98,396,089, G duplicated; the last of 2 consecutive G bases (chr2:98,396,088-98,396,089); duplicating either gives the same sequence. VCF-style (leftmost placement, unchanged base first): chr2-98396087-T-TG. GRCh37 (hg19) VCF-style: chr2-99012550-T-TG.
Other names: c.865dup, p.Val289fs (NM_001079878.2); short protein forms V289fs, V307fs.
Identifiers: ClinVar variation 2080381 (VCV002080381.4), dbSNP rs2467028438, ClinGen allele CA2580068351.

ClinVar aggregate classification (germline): Pathogenic (1 of 4 stars; one submission).

Submission:

Labcorp Genetics (formerly Invitae), Labcorp
Classification: Pathogenic. Last evaluated: 2022-01-11. Review status: criteria provided, single submitter. Criteria: Invitae Variant Classification Sherloc (09022015). Collection method: clinical testing. Allele origin: germline.
Comment: This variant is not present in population databases (gnomAD no frequency). This sequence change creates a premature translational stop signal (p.Val307Glyfs*62) in the CNGA3 gene. While this is not anticipated to result in nonsense mediated decay, it is expected to disrupt the last 388 amino acid(s) of the CNGA3 protein. This variant has not been reported in the literature in individuals affected with CNGA3-related conditions. For these reasons, this variant has been classified as Pathogenic. This variant disrupts a region of the CNGA3 protein in which other variant(s) (p.Gln604*) have been determined to be pathogenic (PMID: 28341476; Invitae). This suggests that this is a clinically significant region of the protein, and that variants that disrupt it are likely to be disease-causing.

Literature cited by the submitters: PubMed 28341476.